The following is an entry in ClinVar:

NM_000257.4(MYH7):c.5701C>T (p.His1901Tyr)

Gene: MYH7 (myosin heavy chain 7; minus strand). Cytogenetic location: 14q11.2.
Variant type: single nucleotide variant.
Coding change: c.5701C>T on transcript NM_000257.4 (MANE Select); coding-DNA position 5701, C replaced by T.
Protein change: p.His1901Tyr; replaces histidine 1901 with tyrosine.
Molecular consequence: missense variant.
Genome position (GRCh38, 1-based): chr14:23,413,848, G>A on the plus strand (C>T on the coding strand, the complement: MYH7 is on the minus strand). VCF-style: chr14-23413848-G-A. GRCh37 (hg19) VCF-style: chr14-23883057-G-A.
Other names: c.5701C>T, p.His1901Tyr (NM_001407004.1); short protein forms H1901Y.
Identifiers: ClinVar variation 5005312 (VCV005005312.2).

ClinVar aggregate classification (germline): Uncertain significance (1 of 4 stars; one submission).

Conditions:
Myopathy, myosin storage, autosomal recessive (CMYO7B). Also called: CONGENITAL MYOPATHY 7B, MYOSIN STORAGE, AUTOSOMAL RECESSIVE. Identifiers: Orphanet 636970, MedGen C1850709, MONDO:0009708, OMIM 255160.
Hypertrophic cardiomyopathy 1 (CMH1). Also called: Familial hypertrophic cardiomyopathy 1; MYH7-Related Familial Hypertrophic Cardiomyopathy. Identifiers: MedGen C3495498, MONDO:0008647, OMIM 192600.
MYH7-related skeletal myopathy. Also called: Myopathy, distal, 1; Laing distal myopathy; Laing early-onset distal myopathy; MYOPATHY, DISTAL, EARLY-ONSET, AUTOSOMAL DOMINANT; MYOPATHY, LATE DISTAL HEREDITARY. Identifiers: Orphanet 59135, MedGen C4552004, MONDO:0008050, OMIM 160500.
Dilated cardiomyopathy 1S (CMD1S). Identifiers: Orphanet 154, Orphanet 54260, MedGen C1834481, MONDO:0013262, OMIM 613426.
Myosin storage myopathy (CMYO7A). Also called: SCAPULOPERONEAL MUSCULAR DYSTROPHY; SCAPULOPERONEAL SYNDROME, MYOPATHIC TYPE; MYH7-related late-onset scapuloperoneal muscular dystrophy; Congenital myopathy 7A, myosin storage, autosomal dominant; MYOPATHY WITH LYSIS OF TYPE I MYOFIBRILS; MYOPATHY, HYALINE BODY, AUTOSOMAL DOMINANT. Identifiers: Orphanet 437572, Orphanet 636965, MedGen C1842160, MONDO:0008409, OMIM 608358.

Submission:

Juno Genomics, Hangzhou Juno Genomics, Inc
Classification: Uncertain significance for Myosin storage myopathy; Myopathy, myosin storage, autosomal recessive; Dilated cardiomyopathy 1S; Hypertrophic cardiomyopathy 1; MYH7-related skeletal myopathy. Review status: criteria provided, single submitter. Criteria: ACMG Guidelines, 2015. Collection method: clinical testing. Allele origin: germline.
Comment: Absent from controls (or at extremely low frequency if recessive) in Genome Aggregation Database.;Multiple lines of computational evidence support a deleterious effect on the gene or gene product.